The following is an entry in ClinVar:

NM_002872.5(RAC2):c.97A>G (p.Ile33Val)

Gene: RAC2 (Rac family small GTPase 2; minus strand). Cytogenetic location: 22q13.1.
Variant type: single nucleotide variant.
Coding change: c.97A>G on transcript NM_002872.5 (MANE Select); coding-DNA position 97, A replaced by G.
Protein change: p.Ile33Val; replaces isoleucine 33 with valine.
Molecular consequence: missense variant.
Genome position (GRCh38, 1-based): chr22:37,241,597, T>C on the plus strand (A>G on the coding strand, the complement: RAC2 is on the minus strand). VCF-style: chr22-37241597-T-C. GRCh37 (hg19) VCF-style: chr22-37637637-T-C.
Other names: short protein forms I33V.
Identifiers: ClinVar variation 1333551 (VCV001333551.7), dbSNP rs2145831322, ClinGen allele CA411443939.

ClinVar aggregate classification (germline): Uncertain significance. Review status: criteria provided, multiple submitters, no conflicts (2 of 4 stars). 2 submissions from 2 submitters: Uncertain significance (2). Last evaluated 2022-07-05.

Conditions:
Immunodeficiency 73b with defective neutrophil chemotaxis and lymphopenia. Identifiers: MedGen C5436549, MONDO:0033554, OMIM 618986.
Neutrophil immunodeficiency syndrome. Also called: Immunodeficiency 73A with defective neutrophil chemotaxis and leukocytosis. Identifiers: Orphanet 183707, MedGen C1842398, MONDO:0011988, OMIM 608203.

Allele frequency attached by ClinVar (database versions not stated): gnomAD exomes below 0.00001.

Submissions (2):

Labcorp Genetics (formerly Invitae), Labcorp
Classification: Uncertain significance for Neutrophil immunodeficiency syndrome. Last evaluated: 2022-07-05. Review status: criteria provided, single submitter. Criteria: Invitae Variant Classification Sherloc (09022015). Collection method: clinical testing. Allele origin: germline.
Comment: In summary, the available evidence is currently insufficient to determine the role of this variant in disease. Therefore, it has been classified as a Variant of Uncertain Significance. Algorithms developed to predict the effect of sequence changes on RNA splicing suggest that this variant may create or strengthen a splice site. Advanced modeling of protein sequence and biophysical properties (such as structural, functional, and spatial information, amino acid conservation, physicochemical variation, residue mobility, and thermodynamic stability) performed at Invitae indicates that this missense variant is not expected to disrupt RAC2 protein function. ClinVar contains an entry for this variant (Variation ID: 1333551). This variant has not been reported in the literature in individuals affected with RAC2-related conditions. This variant is not present in population databases (gnomAD no frequency). This sequence change replaces isoleucine, which is neutral and non-polar, with valine, which is neutral and non-polar, at codon 33 of the RAC2 protein (p.Ile33Val).

3billion
Classification: Uncertain significance for Immunodeficiency 73b with defective neutrophil chemotaxis and lymphopenia. Last evaluated: 2022-01-03. Review status: criteria provided, single submitter. Criteria: ACMG Guidelines, 2015. Collection method: clinical testing. Allele origin: germline. Affected: yes. Observed: 1 heterozygote.
Comment: The variant not observed in the gnomAD v2.1.1 dataset (PM2_M). A missense variant is a common mechanism associated with Immunodeficiency 73B with defective neutrophil chemotaxis and lymphopenia (PP2_P). In silico tool predictions suggest no damaging effect of the variant on gene or gene product (REVEL:0.336, 3CNET:0.021, BP4_P). Therefore, this variant is classified as uncertain significance according to the recommendation of ACMG/AMP guideline.